The following is an entry in ClinVar:

NM_024649.5(BBS1):c.1296dup (p.Leu433fs)

Genes: BBS1 (Bardet-Biedl syndrome 1; plus strand), ZDHHC24 (zDHHC palmitoyltransferase 24; minus strand). Cytogenetic location: 11q13.2.
Variant type: Duplication.
Coding change: c.1296dup on transcript NM_024649.5 (MANE Select); coding-DNA position 1296, one base duplicated (G; older notation c.1296dupG).
Protein change: p.Leu433fs; shifts the reading frame from leucine 433.
Molecular consequence: frameshift variant. On other transcripts: intron variant (1).
Genome position (GRCh38, 1-based): chr11:66,526,764, G duplicated; the last of 2 consecutive G bases (chr11:66,526,763-66,526,764); duplicating either gives the same sequence. VCF-style (leftmost placement, unchanged base first): chr11-66526762-C-CG. GRCh37 (hg19) VCF-style: chr11-66294233-C-CG.
Other names: c.*21+173dup (NM_001348571.2); short protein forms L433fs.
Identifiers: ClinVar variation 5016077 (VCV005016077.1).
Genomic context (GRCh38, chr11:66,526,762, plus strand): 5'-GGAAGTGAGGTGGGTCCCCCACCAGCCCAGGCCATGAAACTCAATGTGCCCCGAAAGACC[C>CG]GGCTTTACGTGGATCAGACACTGCGAGAGCGGGAGGCTGGCACCGGTGAGCCTCAGACTG-3'

ClinVar aggregate classification (germline): Pathogenic (1 of 4 stars; one submission).

Conditions:
Bardet-Biedl syndrome 1 (BBS1). Identifiers: MedGen C2936862, MONDO:0008854, OMIM 209900. Disease mechanism: loss of function.

Submission:

Myriad Genetics, Inc.
Classification: Pathogenic for Bardet-Biedl syndrome 1. Last evaluated: 2026-06-25. Review status: criteria provided, single submitter. Criteria: Myriad Autosomal Dominant, Autosomal Recessive and X-Linked Classification Criteria (2023). Collection method: clinical testing. Allele origin: unknown.
Comment: NM_024649.4(BBS1):c.1296dupG(L433Afs*68) is expected to be pathogenic in the context of Bardet-Biedl syndrome, BBS1-related. This variant is predicted to lead to an abnormal or absent protein product due to the creation of a premature termination codon in BBS1, a gene where loss-of-function variants are known to be pathogenic. Please note: this variant was assessed in the context of healthy population screening.